The following is an entry in ClinVar:

NM_201384.3(PLEC):c.6370C>T (p.Gln2124Ter)

Gene: PLEC (plectin; minus strand). Cytogenetic location: 8q24.3.
Variant type: single nucleotide variant.
Coding change: c.6370C>T on transcript NM_201384.3 (MANE Select); coding-DNA position 6370, C replaced by T.
Protein change: p.Gln2124Ter; replaces glutamine 2124 with a stop codon.
Molecular consequence: nonsense. On other transcripts: intron variant (1).
Genome position (GRCh38, 1-based): chr8:143,923,559, G>A on the plus strand (C>T on the coding strand, the complement: PLEC is on the minus strand). VCF-style: chr8-143923559-G-A. GRCh37 (hg19) VCF-style: chr8-144997727-G-A.
Other names: c.6451C>T, p.Gln2151Ter (NM_000445.5); c.6328C>T, p.Gln2110Ter (NM_201378.4); c.6304C>T, p.Gln2102Ter (NM_201379.3); c.6781C>T, p.Gln2261Ter (NM_201380.4); c.6274C>T, p.Gln2092Ter (NM_201381.3); c.6370C>T, p.Gln2124Ter (NM_201382.4); c.6382C>T, p.Gln2128Ter (NM_201383.3); c.4126-1164C>T (NM_001410941.1); short protein forms Q2124*, Q2261*, Q2092*, Q2102*, Q2110*, Q2151*, Q2128*.
Identifiers: ClinVar variation 2939796 (VCV002939796.3), dbSNP rs1282317175, ClinGen allele CA372535069.
Genomic context (GRCh38, chr8:143,923,559, plus strand): 5'-GCTCGGCCTCCTTGCGCAGCTTCTCTGCAGCCGCCTGTGCCTGAGCCCGGGCCTGTGCCT[G>A]CTCCTCTGCCGACTGCTTCAGCCGCTCGGCCTCTTCCACCTGCCGCCGGGACTGCGCCGC-3'

ClinVar aggregate classification (germline): Pathogenic (1 of 4 stars; one submission).

Conditions:
Epidermolysis bullosa simplex with nail dystrophy (EBS5D). Identifiers: MedGen C4225309, MONDO:0014661, OMIM 616487.
Epidermolysis bullosa simplex, Ogna type (EBS5A). Also called: Pidermolysis bullosa simplex 5A, Ogna type; EPIDERMOLYSIS BULLOSA SIMPLEX 5A, OGNA TYPE. Identifiers: Orphanet 79401, MedGen C0432317, MONDO:0007555, OMIM 131950.
Autosomal recessive limb-girdle muscular dystrophy type 2Q (LGMDR17). Also called: MUSCULAR DYSTROPHY, LIMB-GIRDLE, AUTOSOMAL RECESSIVE 17. Identifiers: Orphanet 254361, MedGen C3150989, MONDO:0013390, OMIM 613723.
Epidermolysis bullosa simplex 5B, with muscular dystrophy (EBS5B). Also called: EPIDERMOLYSIS BULLOSA SIMPLEX AND LIMB-GIRDLE MUSCULAR DYSTROPHY; Epidermolysis bullosa simplex with muscular dystrophy. Identifiers: Orphanet 257, MedGen C2931072, MONDO:0009181, OMIM 226670.
Epidermolysis bullosa simplex 5C, with pyloric atresia (EBS5C). Also called: PLEC-Related Epidermolysis Bullosa with Pyloric Atresia; Epidermolysis bullosa simplex with pyloric atresia; PLEC1-Related Epidermolysis Bullosa with Pyloric Atresia. Identifiers: Orphanet 158684, MedGen C2677349, MONDO:0012807, OMIM 612138.

Allele frequency attached by ClinVar (database versions not stated): TOPMed below 0.00001.

Submission:

Labcorp Genetics (formerly Invitae), Labcorp
Classification: Pathogenic for Autosomal recessive limb-girdle muscular dystrophy type 2Q; Epidermolysis bullosa simplex, Ogna type; Epidermolysis bullosa simplex with nail dystrophy; Epidermolysis bullosa simplex 5C, with pyloric atresia; Epidermolysis bullosa simplex 5B, with muscular dystrophy. Last evaluated: 2022-10-27. Review status: criteria provided, single submitter. Criteria: Invitae Variant Classification Sherloc (09022015). Collection method: clinical testing. Allele origin: germline.
Comment: This sequence change creates a premature translational stop signal (p.Gln2151*) in the PLEC gene. It is expected to result in an absent or disrupted protein product. Loss-of-function variants in PLEC are known to be pathogenic (PMID: 20301336, 20447487, 21109228, 23289980, 28824526). This variant is not present in population databases (gnomAD no frequency). This variant has not been reported in the literature in individuals affected with PLEC-related conditions. For these reasons, this variant has been classified as Pathogenic.

Literature cited by the submitters: PubMed 20301336; PubMed 20447487; PubMed 21109228; PubMed 23289980; PubMed 28824526.